The following is an entry in ClinVar:

NM_000046.5(ARSB):c.1301G>T (p.Arg434Ile)

Gene: ARSB (arylsulfatase B; minus strand). Cytogenetic location: 5q14.1.
Variant type: single nucleotide variant.
Coding change: c.1301G>T on transcript NM_000046.5 (MANE Select); coding-DNA position 1301, G replaced by T.
Protein change: p.Arg434Ile; replaces arginine 434 with isoleucine.
Molecular consequence: missense variant.
Genome position (GRCh38, 1-based): chr5:78,781,887, C>A on the plus strand (G>T on the coding strand, the complement: ARSB is on the minus strand). VCF-style: chr5-78781887-C-A. GRCh37 (hg19) VCF-style: chr5-78077710-C-A.
Other names: short protein forms R434I.
Identifiers: ClinVar variation 559699 (VCV000559699.1), dbSNP rs1252936336, ClinGen allele CA360339906.

ClinVar aggregate classification (germline): Uncertain significance (1 of 4 stars; one submission).

Conditions:
Mucopolysaccharidosis type 6 (MPS6). Also called: N-ACETYLGALACTOSAMINE-4-SULFATASE DEFICIENCY; MPS VI; MPS 6; Maroteaux Lamy syndrome; ARSB DEFICIENCY; ARYLSULFATASE B DEFICIENCY. Identifiers: Orphanet 583, MedGen C0026709, MONDO:0009661, OMIM 253200.

Submission:

Laboratory of Diagnosis and Therapy of Lysosomal Disorders, University of Padova
Classification: Uncertain significance for Mucopolysaccharidosis type 6. Last evaluated: 2018-01-01. Review status: criteria provided, single submitter. Criteria: ACMG Guidelines, 2015. Collection method: curation. Allele origin: germline. Affected: yes.
Comment: Absent from GnomAD (PM2)

Literature cited by the submitters: PubMed 17458871; PubMed 30118150.